The following is an entry in ClinVar:

ClinVar aggregate classification (germline): Uncertain significance (1 of 4 stars; one submission).

Submission:

Dasa
Classification: Uncertain significance. Last evaluated: 2025-04-05. Review status: criteria provided, single submitter. Criteria: DASA Assertion Criteria. Collection method: clinical testing. Allele origin: germline.
Comment: NM_007363.5(NONO):c.1337C>T (p.Ala446Val) is a missense variant that results in the substitution of alanine with valine. This variant is absent from population databases. Computational prediction algorithms are consistent with a benign effect. The currently available literature and clinical evidence are not sufficient to establish a definitive association between this variant and the reported condition. Therefore, this variant is classified as a variant of uncertain significance.

NM_007363.5(NONO):c.1337C>T (p.Ala446Val)

Gene: NONO (non-POU domain containing octamer binding; plus strand). Cytogenetic location: Xq13.1.
Variant type: single nucleotide variant.
Coding change: c.1337C>T on transcript NM_007363.5 (MANE Select); coding-DNA position 1337, C replaced by T.
Protein change: p.Ala446Val; replaces alanine 446 with valine.
Molecular consequence: missense variant.
Genome position (GRCh38, 1-based): chrX:71,299,997, C>T. VCF-style: chrX-71299997-C-T. GRCh37 (hg19) VCF-style: chrX-70519847-C-T.
Other names: c.1337C>T, p.Ala446Val (NM_001145408.2, NM_001145409.2); c.1070C>T, p.Ala357Val (NM_001145410.2); short protein forms A357V, A446V.
Identifiers: ClinVar variation 4882287 (VCV004882287.2).